The following is an entry in ClinVar:

ClinVar aggregate classification (germline): Likely pathogenic (1 of 4 stars; one submission).

Conditions:
Exudative vitreoretinopathy 1 (EVR1). Also called: FEVR, AUTOSOMAL DOMINANT; CRISWICK-SCHEPENS SYNDROME; Familial exudative vitreoretinopathy, autosomal dominant. Identifiers: Orphanet 891, Orphanet 90050, MedGen C1851402, MONDO:0007589, OMIM 133780.

Submission:

Juno Genomics, Hangzhou Juno Genomics, Inc
Classification: Likely pathogenic for Exudative vitreoretinopathy 1. Review status: criteria provided, single submitter. Criteria: ACMG Guidelines, 2015. Collection method: clinical testing. Allele origin: germline. Affected: yes.
Comment: Absent from controls (or at extremely low frequency if recessive) in Genome Aggregation Database, Exome Sequencing Project, 1000 Genomes Project, or Exome Aggregation Consortium.;Multiple lines of computational evidence support a deleterious effect on the gene or gene product (conservation, evolutionary, splicing impact, etc).;Patient's phenotype or family history is highly specific for a disease with a single genetic etiology.

NM_012193.4(FZD4):c.1051G>C (p.Ala351Pro)

Genes: PRSS23 (serine protease 23; plus strand), FZD4 (frizzled class receptor 4; minus strand). Cytogenetic location: 11q14.2.
Variant type: single nucleotide variant.
Coding change: c.1051G>C on transcript NM_012193.4 (MANE Select); coding-DNA position 1051, G replaced by C.
Protein change: p.Ala351Pro; replaces alanine 351 with proline.
Molecular consequence: missense variant. On other transcripts: non-coding transcript variant (2).
Genome position (GRCh38, 1-based): chr11:86,951,705, C>G on the plus strand (G>C on the coding strand, the complement: FZD4 is on the minus strand). VCF-style: chr11-86951705-C-G. GRCh37 (hg19) VCF-style: chr11-86662747-C-G.
Other names: short protein forms A351P.
Identifiers: ClinVar variation 3382395 (VCV003382395.2).
Genomic context (GRCh38, chr11:86,951,705, plus strand): 5'-CTGCATCCACCAGTCTCATAATCAAGATGACAATGGTTTTCACTGCGGGGATGGCCCAGG[C>G]TGCAATGTGGAAATAAGAGCTGTGCATTTCAATGGCTTCATGACCCCATTTGAGTCCTGC-3'
Protein context (NP_036325.2, residues 341-361): EMHSSYFHIA[Ala351Pro]WAIPAVKTIV